The following is an entry in ClinVar:

NM_000384.3(APOB):c.13138T>C (p.Tyr4380His)

Gene: APOB (apolipoprotein B; minus strand). Cytogenetic location: 2p24.1.
Variant type: single nucleotide variant.
Coding change: c.13138T>C on transcript NM_000384.3 (MANE Select); coding-DNA position 13138, T replaced by C.
Protein change: p.Tyr4380His; replaces tyrosine 4380 with histidine.
Molecular consequence: missense variant.
Genome position (GRCh38, 1-based): chr2:21,002,284, A>G on the plus strand (T>C on the coding strand, the complement: APOB is on the minus strand). VCF-style: chr2-21002284-A-G. GRCh37 (hg19) VCF-style: chr2-21225156-A-G.
Other names: short protein forms Y4380H.
Identifiers: ClinVar variation 2921641 (VCV002921641.4), dbSNP rs1203595744, ClinGen allele CA345969016.

ClinVar aggregate classification (germline): Conflicting classifications of pathogenicity. Review status: criteria provided, conflicting classifications (1 of 4 stars). 2 submissions from 2 submitters: Uncertain significance (1); Likely benign (1). Last evaluated 2024-03-04.

Conditions:
Cardiovascular phenotype. Identifiers: MedGen CN230736.
Hypercholesterolemia, autosomal dominant, type B (FHCL2). Also called: APOB-Related Familial Hypercholesterolemia, Autosomal Dominant; Familial Hypercholesterolemia Type B; APOLIPOPROTEIN B-100, FAMILIAL DEFECTIVE; APOLIPOPROTEIN B-100, FAMILIAL LIGAND-DEFECTIVE; HYPERCHOLESTEROLEMIA, FAMILIAL, DUE TO LIGAND-DEFECTIVE APOLIPOPROTEIN B; Hyperlipoproteinemia Type IIb. Identifiers: MedGen C1704417, MONDO:0007751, OMIM 144010.
Familial hypobetalipoproteinemia 1. Also called: Hypobetalipoproteinemia, normotriglyceridemic; Acanthocytosis with hypobetalipoproteinemia; APOB-Related Familial Hypobetalipoproteinemia. Identifiers: MedGen C4551990, MONDO:0014252, OMIM 615558.

Allele frequency attached by ClinVar (database versions not stated): gnomAD exomes below 0.00001 and 0.00001; TOPMed 0.00001.
gnomAD v4.1: 4 of 1,613,858 alleles (0.00025%); highest among the groups gnomAD compares: Admixed American, 0.0067%; no homozygotes.

Submissions (2):

Ambry Genetics
Classification: Uncertain significance for Cardiovascular phenotype. Last evaluated: 2024-03-04. Review status: criteria provided, single submitter. Criteria: Ambry Variant Classification Scheme 2023. Collection method: clinical testing. Allele origin: germline.
Comment: The p.Y4380H variant (also known as c.13138T>C), located in coding exon 29 of the APOB gene, results from a T to C substitution at nucleotide position 13138. The tyrosine at codon 4380 is replaced by histidine, an amino acid with similar properties. This amino acid position is conserved. In addition, this alteration is predicted to be tolerated by in silico analysis. Based on the available evidence, the clinical significance of this alteration remains unclear.

Labcorp Genetics (formerly Invitae), Labcorp
Classification: Likely benign for Familial hypobetalipoproteinemia 1; Hypercholesterolemia, autosomal dominant, type B. Last evaluated: 2023-05-19. Review status: criteria provided, single submitter. Criteria: Invitae Variant Classification Sherloc (09022015). Collection method: clinical testing. Allele origin: germline.